The following is an entry in ClinVar:

ClinVar aggregate classification (germline): Uncertain significance. Review status: criteria provided, multiple submitters, no conflicts (2 of 4 stars). 2 submissions from 2 submitters: Uncertain significance (2). Last evaluated 2024-08-19.

Conditions:
Inborn genetic diseases. Identifiers: MedGen C0950123, MeSH D030342.

Allele frequency attached by ClinVar (database versions not stated): gnomAD 0.00004; TOPMed 0.00006; 1000 Genomes Project 30x 0.00031; 1000 Genomes Project 0.00020; gnomAD exomes 0.00003; ExAC 0.00005.

Submissions (2):

Ambry Genetics
Classification: Uncertain significance for Inborn genetic diseases. Last evaluated: 2024-08-19. Review status: criteria provided, single submitter. Criteria: Ambry Variant Classification Scheme 2023. Collection method: clinical testing. Allele origin: germline.

GeneDx
Classification: Uncertain significance. Last evaluated: 2022-01-28. Review status: criteria provided, single submitter. Criteria: GeneDx Variant Classification Process June 2021. Collection method: clinical testing. Allele origin: germline. Affected: yes.
Comment: In silico analysis supports that this missense variant has a deleterious effect on protein structure/function; Has not been previously published as pathogenic or benign to our knowledge

NM_001080442.3(SLC38A8):c.425C>T (p.Pro142Leu)

Gene: SLC38A8 (solute carrier family 38 member 8; minus strand). Cytogenetic location: 16q23.3.
Variant type: single nucleotide variant.
Coding change: c.425C>T on transcript NM_001080442.3 (MANE Select); coding-DNA position 425, C replaced by T.
Protein change: p.Pro142Leu; replaces proline 142 with leucine.
Molecular consequence: missense variant.
Genome position (GRCh38, 1-based): chr16:84,033,433, G>A on the plus strand (C>T on the coding strand, the complement: SLC38A8 is on the minus strand). VCF-style: chr16-84033433-G-A. GRCh37 (hg19) VCF-style: chr16-84067038-G-A.
Other names: c.425C>T (NM_001080442.1); short protein forms P142L.
Identifiers: ClinVar variation 1700530 (VCV001700530.3), dbSNP rs201354803, ClinGen allele CA8200292.
Genomic context (GRCh38, chr16:84,033,433, plus strand): 5'-AGGATGACCAGCACGGAGAGCAGGGGCAGGGTGAAGCGCTGGTCTGCGTACCACGGCTGC[G>A]GGGCGGGCGGGGTGCCAGACAGGAGGGAGTCACACACTGCCAGAGACACGGGGAGAGCTG-3'
Protein context (NP_001073911.1, residues 132-152): DSLLSGTPPA[Pro142Leu]QPWYADQRFT